The following is an entry in ClinVar:

ClinVar aggregate classification (germline): Uncertain significance (1 of 4 stars; one submission).

Submission:

GeneDx
Classification: Uncertain significance. Last evaluated: 2021-06-28. Review status: criteria provided, single submitter. Criteria: GeneDx Variant Classification Process June 2021. Collection method: clinical testing. Allele origin: germline. Affected: yes.
Comment: Has not been previously published as pathogenic or benign to our knowledge; Not observed at significant frequency in large population cohorts (Lek et al., 2016); In silico analysis supports a deleterious effect on splicing; This variant is associated with the following publications: (PMID: 27535533)

NM_002317.7(LOX):c.1132-10T>A

Genes: LOX (lysyl oxidase; minus strand), SRFBP1 (serum response factor binding protein 1; plus strand). Cytogenetic location: 5q23.1.
Variant type: single nucleotide variant.
Coding change: c.1132-10T>A on transcript NM_002317.7 (MANE Select); 10 bases into the intron before coding-DNA position 1132, T replaced by A.
Molecular consequence: intron variant.
Genome position (GRCh38, 1-based): chr5:122,070,178, A>T on the plus strand (T>A on the coding strand, the complement: LOX is on the minus strand). VCF-style: chr5-122070178-A-T. GRCh37 (hg19) VCF-style: chr5-121405873-A-T.
Other names: c.442-10T>A (NM_001178102.2); c.241-10T>A (NM_001317073.1).
Identifiers: ClinVar variation 1331281 (VCV001331281.2), dbSNP rs2152587164, ClinGen allele CA2573052398.